The following is an entry in ClinVar:

NM_006618.5(KDM5B):c.1394C>T (p.Pro465Leu)

Gene: KDM5B (lysine demethylase 5B; minus strand). Cytogenetic location: 1q32.1.
Variant type: single nucleotide variant.
Coding change: c.1394C>T on transcript NM_006618.5 (MANE Select); coding-DNA position 1394, C replaced by T.
Protein change: p.Pro465Leu; replaces proline 465 with leucine.
Molecular consequence: missense variant.
Genome position (GRCh38, 1-based): chr1:202,755,415, G>A on the plus strand (C>T on the coding strand, the complement: KDM5B is on the minus strand). VCF-style: chr1-202755415-G-A. GRCh37 (hg19) VCF-style: chr1-202724543-G-A.
Other names: c.1502C>T, p.Pro501Leu (NM_001314042.2); c.1259C>T, p.Pro420Leu (NM_001347591.2); c.1379C>T, p.Pro460Leu (NM_001399817.1); short protein forms P420L, P460L, P465L, P501L.
Identifiers: ClinVar variation 3361557 (VCV003361557.1).

ClinVar aggregate classification (germline): Uncertain significance (1 of 4 stars; one submission).

Submission:

GeneDx
Classification: Uncertain significance. Last evaluated: 2023-08-03. Review status: criteria provided, single submitter. Criteria: GeneDx Variant Classification Process June 2021. Collection method: clinical testing. Allele origin: germline. Affected: yes.
Comment: Not observed at significant frequency in large population cohorts (gnomAD); In silico analysis supports that this missense variant has a deleterious effect on protein structure/function; Has not been previously published as pathogenic or benign to our knowledge